The following is an entry in ClinVar:

NM_007325.5(GRIA3):c.2076+12_2076+13delinsAA

Gene: GRIA3 (glutamate ionotropic receptor AMPA type subunit 3; plus strand). Cytogenetic location: Xq25.
Variant type: Indel.
Coding change: c.2076+12_2076+13delinsAA on transcript NM_007325.5 (MANE Select); bases 12 to 13 of the intron after coding-DNA position 2076, GC replaced by AA.
Molecular consequence: intron variant.
Genome position (GRCh38, 1-based): chrX:123,428,151-123,428,152, GC replaced by AA. VCF-style: chrX-123428151-GC-AA. GRCh37 (hg19) VCF-style: chrX-122562002-GC-AA.
Other names: c.2076+12_2076+13delinsAA (NM_000828.5).
Identifiers: ClinVar variation 2867290 (VCV002867290.3), dbSNP rs2521238146, ClinGen allele CA2739273742.
Genomic context (GRCh38, chrX:123,428,151, plus strand): 5'-AATTGCATATGGGACCCTGGACTCCGGTTCAACAAAAGAATTTTTCAGAGTAAGTGCTCT[GC>AA]AGTTAATTGAGCCTGCTGATATTTATTTTATCATCTTCTCACAAAGGCAAGTTCACAGTG-3'

ClinVar aggregate classification (germline): Uncertain significance (1 of 4 stars; one submission).

Submission:

Labcorp Genetics (formerly Invitae), Labcorp
Classification: Uncertain significance. Last evaluated: 2023-05-23. Review status: criteria provided, single submitter. Criteria: Invitae Variant Classification Sherloc (09022015). Collection method: clinical testing. Allele origin: germline.
Comment: Information on the frequency of this variant in the gnomAD database is not available, as this variant may be reported differently in the database. This sequence change falls in intron 12 of the GRIA3 gene. It does not directly change the encoded amino acid sequence of the GRIA3 protein. It affects a nucleotide within the consensus splice site. In summary, the available evidence is currently insufficient to determine the role of this variant in disease. Therefore, it has been classified as a Variant of Uncertain Significance. Variants that disrupt the consensus splice site are a relatively common cause of aberrant splicing (PMID: 17576681, 9536098). This variant has not been reported in the literature in individuals affected with GRIA3-related conditions.

Literature cited by the submitters: PubMed 17576681; PubMed 9536098.